The following is an entry in ClinVar:

ClinVar aggregate classification (germline): Uncertain significance. Review status: criteria provided, multiple submitters, no conflicts (2 of 4 stars). 2 submissions from 2 submitters: Uncertain significance (2). Last evaluated 2024-11-21.

Conditions:
Inborn genetic diseases. Identifiers: MedGen C0950123, MeSH D030342.

Submissions (2):

Ambry Genetics
Classification: Uncertain significance for Inborn genetic diseases. Last evaluated: 2024-11-21. Review status: criteria provided, single submitter. Criteria: Ambry Variant Classification Scheme 2023. Collection method: clinical testing. Allele origin: germline.

Labcorp Genetics (formerly Invitae), Labcorp
Classification: Uncertain significance. Last evaluated: 2023-05-20. Review status: criteria provided, single submitter. Criteria: Invitae Variant Classification Sherloc (09022015). Collection method: clinical testing. Allele origin: germline.
Comment: This variant is not present in population databases (gnomAD no frequency). In summary, the available evidence is currently insufficient to determine the role of this variant in disease. Therefore, it has been classified as a Variant of Uncertain Significance. Advanced modeling of protein sequence and biophysical properties (such as structural, functional, and spatial information, amino acid conservation, physicochemical variation, residue mobility, and thermodynamic stability) performed at Invitae indicates that this missense variant is not expected to disrupt FLNB protein function. This variant has not been reported in the literature in individuals affected with FLNB-related conditions. This sequence change replaces isoleucine, which is neutral and non-polar, with valine, which is neutral and non-polar, at codon 469 of the FLNB protein (p.Ile469Val).

NM_001457.4(FLNB):c.1405A>G (p.Ile469Val)

Gene: FLNB (filamin B; plus strand). Cytogenetic location: 3p14.3.
Variant type: single nucleotide variant.
Coding change: c.1405A>G on transcript NM_001457.4 (MANE Select); coding-DNA position 1405, A replaced by G.
Protein change: p.Ile469Val; replaces isoleucine 469 with valine.
Molecular consequence: missense variant.
Genome position (GRCh38, 1-based): chr3:58,102,262, A>G. VCF-style: chr3-58102262-A-G. GRCh37 (hg19) VCF-style: chr3-58087989-A-G.
Other names: c.1405A>G (NM_001457.3); c.1405A>G, p.Ile469Val (NM_001164317.2, NM_001164318.2, NM_001164319.2); short protein forms I469V.
Identifiers: ClinVar variation 2866392 (VCV002866392.4), dbSNP rs2471064293, ClinGen allele CA353337965.